The following is an entry in ClinVar:

NM_001271938.2(MEGF8):c.4108C>T (p.Arg1370Ter)

Gene: MEGF8 (multiple EGF like domains 8; plus strand). Cytogenetic location: 19q13.2.
Variant type: single nucleotide variant.
Coding change: c.4108C>T on transcript NM_001271938.2 (MANE Select); coding-DNA position 4108, C replaced by T.
Protein change: p.Arg1370Ter; replaces arginine 1370 with a stop codon.
Molecular consequence: nonsense.
Genome position (GRCh38, 1-based): chr19:42,354,684, C>T. VCF-style: chr19-42354684-C-T. GRCh37 (hg19) VCF-style: chr19-42858836-C-T.
Other names: c.3907C>T, p.Arg1303Ter (NM_001410.3); short protein forms R1303*, R1370*.
Identifiers: ClinVar variation 4706279 (VCV004706279.1).

ClinVar aggregate classification (germline): Pathogenic (1 of 4 stars; one submission).

Conditions:
MEGF8-related Carpenter syndrome. Also called: Carpenter syndrome 2. Identifiers: Orphanet 65759, MedGen C3554247, MONDO:0013998, OMIM 614976.

gnomAD v4.1: 4 of 1,609,984 alleles (0.00025%); highest among the groups gnomAD compares: Non-Finnish European, 0.00034%; no homozygotes.

Submission:

Labcorp Genetics (formerly Invitae), Labcorp
Classification: Pathogenic for MEGF8-related Carpenter syndrome. Last evaluated: 2025-09-14. Review status: criteria provided, single submitter. Criteria: Invitae Variant Classification Sherloc (09022015). Collection method: clinical testing. Allele origin: germline.
Comment: This sequence change creates a premature translational stop signal (p.Arg1303*) in the MEGF8 gene. It is expected to result in an absent or disrupted protein product. Loss-of-function variants in MEGF8 are known to be pathogenic (PMID: 23063620). The frequency data for this variant in the population databases is considered unreliable, as metrics indicate poor data quality at this position in the gnomAD database. This variant has not been reported in the literature in individuals affected with MEGF8-related conditions. For these reasons, this variant has been classified as Pathogenic.

Literature cited by the submitters: PubMed 23063620.